The following is an entry in ClinVar:

ClinVar aggregate classification (germline): Uncertain significance (1 of 4 stars; one submission).

Conditions:
Inborn genetic diseases. Identifiers: MedGen C0950123, MeSH D030342.

Submission:

Ambry Genetics
Classification: Uncertain significance for Inborn genetic diseases. Last evaluated: 2026-07-07. Review status: criteria provided, single submitter. Criteria: Ambry Variant Classification Scheme 2023. Collection method: clinical testing. Allele origin: germline.
Comment: The p.S193P variant (also known as c.577T>C), located in coding exon 7 of the RYR1 gene, results from a T to C substitution at nucleotide position 577. The serine at codon 193 is replaced by proline, an amino acid with similar properties. This amino acid position is conserved. In addition, this alteration is predicted to be deleterious by in silico analysis. Based on the available evidence, the clinical significance of this variant remains unclear.

NM_000540.3(RYR1):c.577T>C (p.Ser193Pro)

Gene: RYR1 (ryanodine receptor 1; plus strand). Cytogenetic location: 19q13.2.
Variant type: single nucleotide variant.
Coding change: c.577T>C on transcript NM_000540.3 (MANE Select); coding-DNA position 577, T replaced by C.
Protein change: p.Ser193Pro; replaces serine 193 with proline.
Molecular consequence: missense variant.
Genome position (GRCh38, 1-based): chr19:38,444,623, T>C. VCF-style: chr19-38444623-T-C. GRCh37 (hg19) VCF-style: chr19-38935263-T-C.
Other names: c.577T>C, p.Ser193Pro (NM_001042723.2); short protein forms S193P.
Identifiers: ClinVar variation 5028633 (VCV005028633.1).